The following is an entry in ClinVar:

ClinVar aggregate classification (germline): Uncertain significance (1 of 4 stars; one submission).

Conditions:
Gastrointestinal stromal tumor. Also called: Gastrointestinal stromal tumor, somatic; Gastrointestinal stroma tumor. Identifiers: Orphanet 44890, MedGen C0238198, MeSH D046152, MONDO:0011719, OMIM 606764, HP:0100723.

Submission:

Labcorp Genetics (formerly Invitae), Labcorp
Classification: Uncertain significance for Gastrointestinal stromal tumor. Last evaluated: 2024-09-16. Review status: criteria provided, single submitter. Criteria: Invitae Variant Classification Sherloc (09022015). Collection method: clinical testing. Allele origin: germline.
Comment: This sequence change replaces glutamic acid, which is acidic and polar, with aspartic acid, which is acidic and polar, at codon 165 of the PDGFRA protein (p.Glu165Asp). This variant is not present in population databases (gnomAD no frequency). This variant has not been reported in the literature in individuals affected with PDGFRA-related conditions. ClinVar contains an entry for this variant (Variation ID: 1507599). Invitae Evidence Modeling of protein sequence and biophysical properties (such as structural, functional, and spatial information, amino acid conservation, physicochemical variation, residue mobility, and thermodynamic stability) indicates that this missense variant is not expected to disrupt PDGFRA protein function with a negative predictive value of 80%. In summary, the available evidence is currently insufficient to determine the role of this variant in disease. Therefore, it has been classified as a Variant of Uncertain Significance.

NM_006206.6(PDGFRA):c.495G>C (p.Glu165Asp)

Gene: PDGFRA (platelet derived growth factor receptor alpha; plus strand). Cytogenetic location: 4q12.
Variant type: single nucleotide variant.
Coding change: c.495G>C on transcript NM_006206.6 (MANE Select); coding-DNA position 495, G replaced by C.
Protein change: p.Glu165Asp; replaces glutamic acid 165 with aspartic acid.
Molecular consequence: missense variant.
Genome position (GRCh38, 1-based): chr4:54,263,794, G>C. VCF-style: chr4-54263794-G-C. GRCh37 (hg19) VCF-style: chr4-55129961-G-C.
Other names: c.495G>C, p.Glu165Asp (NM_001347827.2, NM_001347829.2); c.570G>C, p.Glu190Asp (NM_001347828.2); c.534G>C, p.Glu178Asp (NM_001347830.2); short protein forms E178D, E190D, E165D.
Identifiers: ClinVar variation 1507599 (VCV001507599.8), dbSNP rs1722883512, ClinGen allele CA356889948.
Genomic context (GRCh38, chr4:54,263,794, plus strand): 5'-TGCCATTATACCTTGTCGCACAACTGATCCCGAGACTCCTGTAACCTTACACAACAGTGA[G>C]GGGGTGGTACCTGCCTCCTACGACAGCAGACAGGGCTTTAATGGGACCTTCACTGTAGGG-3'
Protein context (NP_006197.1, residues 155-175): PETPVTLHNS[Glu165Asp]GVVPASYDSR